The following is an entry in ClinVar:

ClinVar aggregate classification (germline): Uncertain significance. Review status: criteria provided, multiple submitters, no conflicts (2 of 4 stars). 2 submissions from 2 submitters: Uncertain significance (2). Last evaluated 2024-09-03.

Conditions:
Beckwith-Wiedemann syndrome (BWS). Also called: EMG SYNDROME; Exomphalos macroglossia gigantism syndrome. Identifiers: Orphanet 116, MedGen C0004903, MONDO:0007534, OMIM 130650.
Inborn genetic diseases. Identifiers: MedGen C0950123, MeSH D030342.

Allele frequency attached by ClinVar (database versions not stated): TOPMed 0.00001.
gnomAD v4.1: 7 of 1,491,544 alleles (0.00047%); highest among the groups gnomAD compares: South Asian, 0.005%; no homozygotes.

Submissions (2):

Ambry Genetics
Classification: Uncertain significance for Inborn genetic diseases. Last evaluated: 2024-09-03. Review status: criteria provided, single submitter. Criteria: Ambry Variant Classification Scheme 2023. Collection method: clinical testing. Allele origin: germline.

Labcorp Genetics (formerly Invitae), Labcorp
Classification: Uncertain significance for Beckwith-Wiedemann syndrome. Last evaluated: 2024-09-03. Review status: criteria provided, single submitter. Criteria: Invitae Variant Classification Sherloc (09022015). Collection method: clinical testing. Allele origin: germline.
Comment: This sequence change replaces alanine, which is neutral and non-polar, with threonine, which is neutral and polar, at codon 277 of the CDKN1C protein (p.Ala277Thr). This variant is not present in population databases (gnomAD no frequency). This variant has not been reported in the literature in individuals affected with CDKN1C-related conditions. ClinVar contains an entry for this variant (Variation ID: 1505792). Invitae Evidence Modeling of protein sequence and biophysical properties (such as structural, functional, and spatial information, amino acid conservation, physicochemical variation, residue mobility, and thermodynamic stability) has been performed for this missense variant. However, the output from this modeling did not meet the statistical confidence thresholds required to predict the impact of this variant on CDKN1C protein function. In summary, the available evidence is currently insufficient to determine the role of this variant in disease. Therefore, it has been classified as a Variant of Uncertain Significance.

NM_001122630.2(CDKN1C):c.796G>A (p.Ala266Thr)

Gene: CDKN1C (cyclin dependent kinase inhibitor 1C; minus strand). Cytogenetic location: 11p15.4.
Variant type: single nucleotide variant.
Coding change: c.796G>A on transcript NM_001122630.2 (MANE Select); coding-DNA position 796, G replaced by A.
Protein change: p.Ala266Thr; replaces alanine 266 with threonine.
Molecular consequence: missense variant. On other transcripts: synonymous variant (1).
Genome position (GRCh38, 1-based): chr11:2,884,126, C>T on the plus strand (G>A on the coding strand, the complement: CDKN1C is on the minus strand). VCF-style: chr11-2884126-C-T. GRCh37 (hg19) VCF-style: chr11-2905356-C-T.
Other names: c.829G>A, p.Ala277Thr (NM_000076.2, NM_001362474.2); c.796G>A, p.Ala266Thr (NM_001122631.2); c.264G>A, p.Ser88= (NM_001362475.2); short protein forms A266T, A277T.
Identifiers: ClinVar variation 1505792 (VCV001505792.8), dbSNP rs759474789, ClinGen allele CA5822151.